The following is an entry in ClinVar:

NM_002351.5(SH2D1A):c.121T>A (p.Tyr41Asn)

Gene: SH2D1A (SH2 domain containing 1A; plus strand). Cytogenetic location: Xq25.
Variant type: single nucleotide variant.
Coding change: c.121T>A on transcript NM_002351.5 (MANE Select); coding-DNA position 121, T replaced by A.
Protein change: p.Tyr41Asn; replaces tyrosine 41 with asparagine.
Molecular consequence: missense variant.
Genome position (GRCh38, 1-based): chrX:124,346,763, T>A. VCF-style: chrX-124346763-T-A. GRCh37 (hg19) VCF-style: chrX-123480613-T-A.
Other names: c.121T>A, p.Tyr41Asn (NM_001114937.3); short protein forms Y41N.
Identifiers: ClinVar variation 1722010 (VCV001722010.5), dbSNP rs2522797429, ClinGen allele CA414122427.

ClinVar aggregate classification (germline): Uncertain significance (1 of 4 stars; one submission).

Conditions:
X-linked lymphoproliferative disease due to SH2D1A deficiency (XLP1). Also called: DUNCAN DISEASE; SH2D1A-Related Lymphoproliferative Disease, X-Linked; Epstein Barr virus infection familial fatal; Duncan's syndrome; IMMUNODEFICIENCY 5; IMMUNODEFICIENCY, X-LINKED PROGRESSIVE COMBINED VARIABLE. Identifiers: Orphanet 2442, Orphanet 538931, MedGen C5399825, MONDO:0024551, OMIM 308240.

Submission:

Labcorp Genetics (formerly Invitae), Labcorp
Classification: Uncertain significance for X-linked lymphoproliferative disease due to SH2D1A deficiency. Last evaluated: 2022-10-21. Review status: criteria provided, single submitter. Criteria: Invitae Variant Classification Sherloc (09022015). Collection method: clinical testing. Allele origin: germline.
Comment: This sequence change replaces tyrosine, which is neutral and polar, with asparagine, which is neutral and polar, at codon 41 of the SH2D1A protein (p.Tyr41Asn). This variant is not present in population databases (gnomAD no frequency). This variant has not been reported in the literature in individuals affected with SH2D1A-related conditions. Algorithms developed to predict the effect of missense changes on protein structure and function (SIFT, PolyPhen-2, Align-GVGD) all suggest that this variant is likely to be disruptive. In summary, the available evidence is currently insufficient to determine the role of this variant in disease. Therefore, it has been classified as a Variant of Uncertain Significance.